The following is an entry in ClinVar:

ClinVar aggregate classification (germline): Conflicting classifications of pathogenicity. Review status: criteria provided, conflicting classifications (1 of 4 stars). 5 submissions from 5 submitters: Uncertain significance (2); Likely benign (1). 2 of the submissions do not count toward it. Last evaluated 2026-01-13.

Conditions:
Hereditary cancer-predisposing syndrome. Also called: Tumor predisposition; Hereditary neoplastic syndrome; Neoplastic Syndromes, Hereditary; Hereditary Cancer Syndrome. Identifiers: Orphanet 140162, MedGen C0027672, MeSH D009386, MONDO:0015356.
Fumarase deficiency (FMRD). Also called: Fumarate Hydratase Deficiency; Fumaric aciduria. Identifiers: Orphanet 24, MedGen C0342770, MONDO:0011730, OMIM 606812.

Allele frequency attached by ClinVar (database versions not stated): ExAC 0.00001; gnomAD exomes 0.00001; gnomAD 0.00002; TOPMed 0.00003.
gnomAD v4.1: 15 of 1,614,038 alleles (0.00093%); highest among the groups gnomAD compares: East Asian, 0.0022%; no homozygotes.

Submissions (5):

Labcorp Genetics (formerly Invitae), Labcorp
Classification: Uncertain significance. Last evaluated: 2026-01-13. Review status: criteria provided, single submitter. Criteria: Invitae Variant Classification Sherloc (09022015). Collection method: clinical testing. Allele origin: germline.
Comment: This sequence change replaces methionine, which is neutral and non-polar, with valine, which is neutral and non-polar, at codon 380 of the FH protein (p.Met380Val). This variant is present in population databases (rs587778362, gnomAD 0.007%). This variant has not been reported in the literature in individuals affected with FH-related conditions. ClinVar contains an entry for this variant (Variation ID: 134417). Invitae Evidence Modeling of protein sequence and biophysical properties (such as structural, functional, and spatial information, amino acid conservation, physicochemical variation, residue mobility, and thermodynamic stability) indicates that this missense variant is not expected to disrupt FH protein function with a negative predictive value of 95%. In summary, the available evidence is currently insufficient to determine the role of this variant in disease. Therefore, it has been classified as a Variant of Uncertain Significance.

Quest Diagnostics Nichols Institute San Juan Capistrano
Classification: Uncertain significance. Last evaluated: 2025-09-10. Review status: criteria provided, single submitter. Criteria: Quest Diagnostics criteria. Collection method: clinical testing. Allele origin: unknown.
Comment: The FH c.1138A>G (p.Met380Val) variant has been reported in the published literature in an individual with breast cancer (PMID: 32091409 (2020)) and in a reportedly unaffected individual (PMID: 24728327 (2014)). The frequency of this variant in the general population (Genome Aggregation Database) is uninformative in the assessment of its pathogenicity. Analysis of this variant using bioinformatics tools for the prediction of the effect of amino acid changes on protein structure and function yielded predictions that this variant is benign. Based on the available information, we are unable to determine the clinical significance of this variant.

Ambry Genetics
Classification: Likely benign for Hereditary cancer-predisposing syndrome. Last evaluated: 2023-07-27. Review status: criteria provided, single submitter. Criteria: Ambry Variant Classification Scheme 2023. Collection method: clinical testing. Allele origin: germline.

Natera, Inc.
Classification: Uncertain significance for Fumarase Deficiency. Last evaluated: 2021-01-06. Review status: no assertion criteria provided. Collection method: clinical testing. Allele origin: germline. Not counted in ClinVar's aggregate classification.

ITMI
No classification provided. Condition: AllHighlyPenetrant. Last evaluated: 2013-09-19. Review status: no classification provided. Collection method: reference population. Allele origin: germline. Not counted in ClinVar's aggregate classification.
Comment: Please see associated publication for description of ethnicities

Literature cited by the submitters: PubMed 24728327 (cited by 3 submitters); PubMed 32612247 (cited by Quest Diagnostics Nichols Institute San Juan Capistrano); PubMed 32091409 (cited by Quest Diagnostics Nichols Institute San Juan Capistrano).

NM_000143.4(FH):c.1138A>G (p.Met380Val)

Gene: FH (fumarate hydratase; minus strand). Cytogenetic location: 1q43.
Variant type: single nucleotide variant.
Coding change: c.1138A>G on transcript NM_000143.4 (MANE Select); coding-DNA position 1138, A replaced by G.
Protein change: p.Met380Val; replaces methionine 380 with valine.
Molecular consequence: missense variant.
Genome position (GRCh38, 1-based): chr1:241,502,541, T>C on the plus strand (A>G on the coding strand, the complement: FH is on the minus strand). VCF-style: chr1-241502541-T-C. GRCh37 (hg19) VCF-style: chr1-241665841-T-C.
Other names: short protein forms M380V.
Identifiers: ClinVar variation 134417 (VCV000134417.18), dbSNP rs587778362, ClinGen allele CA159746.
Genomic context (GRCh38, chr1:241,502,541, plus strand): 5'-TGCTGCCTCCGACAGTGACAGCAACATGGTTCCCCATGACTTGGGCTGCAACCATGGTCA[T>C]TGCTTCACACTGAGTAGGGTTCACCTTGCCTTCAAGAAAACCACCAATGACAGAGTAAAG-3'
Protein context (NP_000134.2, residues 370-390): GKVNPTQCEA[Met380Val]TMVAAQVMGN